The following is an entry in ClinVar:

NM_001017979.3(RAB28):c.134T>C (p.Ile45Thr)

Gene: RAB28 (RAB28, member RAS oncogene family; minus strand). Cytogenetic location: 4p15.33.
Variant type: single nucleotide variant.
Coding change: c.134T>C on transcript NM_001017979.3 (MANE Select); coding-DNA position 134, T replaced by C.
Protein change: p.Ile45Thr; replaces isoleucine 45 with threonine.
Molecular consequence: missense variant.
Genome position (GRCh38, 1-based): chr4:13,479,468, A>G on the plus strand (T>C on the coding strand, the complement: RAB28 is on the minus strand). VCF-style: chr4-13479468-A-G. GRCh37 (hg19) VCF-style: chr4-13481092-A-G.
Other names: c.134T>C, p.Ile45Thr (NM_001159601.2, NM_004249.4); short protein forms I45T.
Identifiers: ClinVar variation 1716857 (VCV001716857.5), dbSNP rs2474398686, ClinGen allele CA356374880.

ClinVar aggregate classification (germline): Uncertain significance (1 of 4 stars; one submission).

Submission:

Labcorp Genetics (formerly Invitae), Labcorp
Classification: Uncertain significance. Last evaluated: 2022-08-19. Review status: criteria provided, single submitter. Criteria: Invitae Variant Classification Sherloc (09022015). Collection method: clinical testing. Allele origin: germline.
Comment: In summary, the available evidence is currently insufficient to determine the role of this variant in disease. Therefore, it has been classified as a Variant of Uncertain Significance. Algorithms developed to predict the effect of missense changes on protein structure and function are either unavailable or do not agree on the potential impact of this missense change (SIFT: "Deleterious"; PolyPhen-2: "Benign"; Align-GVGD: "Class C25"). This variant has not been reported in the literature in individuals affected with RAB28-related conditions. This variant is not present in population databases (gnomAD no frequency). This sequence change replaces isoleucine, which is neutral and non-polar, with threonine, which is neutral and polar, at codon 45 of the RAB28 protein (p.Ile45Thr).